The following is an entry in ClinVar:

NM_001376.5(DYNC1H1):c.13625A>G (p.Glu4542Gly)

Gene: DYNC1H1 (dynein cytoplasmic 1 heavy chain 1; plus strand). Cytogenetic location: 14q32.31.
Variant type: single nucleotide variant.
Coding change: c.13625A>G on transcript NM_001376.5 (MANE Select); coding-DNA position 13625, A replaced by G.
Protein change: p.Glu4542Gly; replaces glutamic acid 4542 with glycine.
Molecular consequence: missense variant.
Genome position (GRCh38, 1-based): chr14:102,049,823, A>G. VCF-style: chr14-102049823-A-G. GRCh37 (hg19) VCF-style: chr14-102516160-A-G.
Other names: short protein forms E4542G.
Identifiers: ClinVar variation 2198781 (VCV002198781.4), dbSNP rs1259892532, ClinGen allele CA391050563.

ClinVar aggregate classification (germline): Uncertain significance (1 of 4 stars; one submission).

Conditions:
Charcot-Marie-Tooth disease axonal type 2O. Also called: CHARCOT-MARIE-TOOTH NEUROPATHY, AXONAL, TYPE 2O; CHARCOT-MARIE-TOOTH DISEASE, AXONAL, AUTOSOMAL DOMINANT, TYPE 2O; Charcot-Marie-Tooth Neuropathy Type 2O; Charcot-Marie-Tooth disease, axonal, type 20. Identifiers: Orphanet 284232, MedGen C3280220, MONDO:0013644, OMIM 614228.

Allele frequency attached by ClinVar (database versions not stated): gnomAD 0.00001; gnomAD exomes 0.00001; TOPMed 0.00002.
gnomAD v4.1: 8 of 1,613,716 alleles (0.0005%); highest among the groups gnomAD compares: East Asian, 0.0067%; no homozygotes.

Submission:

Labcorp Genetics (formerly Invitae), Labcorp
Classification: Uncertain significance for Charcot-Marie-Tooth disease axonal type 2O. Last evaluated: 2022-01-11. Review status: criteria provided, single submitter. Criteria: Invitae Variant Classification Sherloc (09022015). Collection method: clinical testing. Allele origin: germline.
Comment: Advanced modeling of protein sequence and biophysical properties (such as structural, functional, and spatial information, amino acid conservation, physicochemical variation, residue mobility, and thermodynamic stability) performed at Invitae indicates that this missense variant is not expected to disrupt DYNC1H1 protein function. This variant has not been reported in the literature in individuals affected with DYNC1H1-related conditions. This variant is present in population databases (no rsID available, gnomAD 0.01%). This sequence change replaces glutamic acid, which is acidic and polar, with glycine, which is neutral and non-polar, at codon 4542 of the DYNC1H1 protein (p.Glu4542Gly). In summary, the available evidence is currently insufficient to determine the role of this variant in disease. Therefore, it has been classified as a Variant of Uncertain Significance.